The following is an entry in ClinVar:

NM_000545.8(HNF1A):c.79_80delinsCC (p.Ile27Pro)

Gene: HNF1A (HNF1 homeobox A; plus strand). Cytogenetic location: 12q24.31.
Variant type: Indel.
Coding change: c.79_80delinsCC on transcript NM_000545.8 (MANE Select); coding-DNA positions 79 to 80, AT replaced by CC.
Protein change: p.Ile27Pro; replaces isoleucine 27 with proline.
Molecular consequence: missense variant.
Genome position (GRCh38, 1-based): chr12:120,978,847-120,978,848, AT replaced by CC. VCF-style: chr12-120978847-AT-CC. GRCh37 (hg19) VCF-style: chr12-121416650-AT-CC.
Other names: c.79_80delinsCC, p.Ile27Pro (NM_001306179.2); short protein forms I27P.
Identifiers: ClinVar variation 1474612 (VCV001474612.6), dbSNP rs2135819573, ClinGen allele CA2573148028.

ClinVar aggregate classification (germline): Uncertain significance (1 of 4 stars; one submission).

Submission:

Labcorp Genetics (formerly Invitae), Labcorp
Classification: Uncertain significance. Last evaluated: 2021-09-21. Review status: criteria provided, single submitter. Criteria: Invitae Variant Classification Sherloc (09022015). Collection method: clinical testing. Allele origin: germline.
Comment: This sequence change replaces isoleucine with proline at codon 27 of the HNF1A protein (p.Ile27Pro). The isoleucine residue is moderately conserved and there is a moderate physicochemical difference between isoleucine and proline. The frequency data for this variant in the population databases is not available, as this variant may be reported as separate entries in the ExAC database. This variant has been observed in individual(s) with MODY, type III (Invitae). Algorithms developed to predict the effect of missense changes on protein structure and function are either unavailable or do not agree on the potential impact of this missense change (SIFT: "Not Available"; PolyPhen-2: "Probably Damaging"; Align-GVGD: "Not Available"). In summary, the available evidence is currently insufficient to determine the role of this variant in disease. Therefore, it has been classified as a Variant of Uncertain Significance.